The following is an entry in ClinVar:

ClinVar aggregate classification (germline): Uncertain significance. Review status: criteria provided, multiple submitters, no conflicts (2 of 4 stars). 2 submissions from 2 submitters: Uncertain significance (2). Last evaluated 2025-06-03.

Conditions:
Congenital disorder of glycosylation (CDG). Also called: Carbohydrate-deficient glycoprotein syndrome; Congenital disorders of glycosylation. Identifiers: Orphanet 137, MedGen C0282577, MONDO:0015286.

gnomAD v4.1: 3 of 1,614,070 alleles (0.00019%); highest among the groups gnomAD compares: East Asian, 0.0067%; no homozygotes.

Submissions (2):

Labcorp Genetics (formerly Invitae), Labcorp
Classification: Uncertain significance for Congenital disorder of glycosylation. Last evaluated: 2025-06-03. Review status: criteria provided, single submitter. Criteria: Invitae Variant Classification Sherloc (09022015). Collection method: clinical testing. Allele origin: germline.
Comment: This sequence change replaces proline, which is neutral and non-polar, with alanine, which is neutral and non-polar, at codon 506 of the RPN2 protein (p.Pro506Ala). This variant is present in population databases (rs747166299, gnomAD 0.01%). This variant has not been reported in the literature in individuals affected with RPN2-related conditions. ClinVar contains an entry for this variant (Variation ID: 3435234). An algorithm developed to predict the effect of missense changes on protein structure and function (PolyPhen-2) suggests that this variant is likely to be tolerated. In summary, the available evidence is currently insufficient to determine the role of this variant in disease. Therefore, it has been classified as a Variant of Uncertain Significance.

Ambry Genetics
Classification: Uncertain significance. Last evaluated: 2024-08-05. Review status: criteria provided, single submitter. Criteria: Ambry Variant Classification Scheme 2023. Collection method: clinical testing. Allele origin: germline.

NM_002951.5(RPN2):c.1516C>G (p.Pro506Ala)

Gene: RPN2 (ribophorin II; plus strand). Cytogenetic location: 20q11.23.
Variant type: single nucleotide variant.
Coding change: c.1516C>G on transcript NM_002951.5 (MANE Select); coding-DNA position 1516, C replaced by G.
Protein change: p.Pro506Ala; replaces proline 506 with alanine.
Molecular consequence: missense variant.
Genome position (GRCh38, 1-based): chr20:37,229,994, C>G. VCF-style: chr20-37229994-C-G. GRCh37 (hg19) VCF-style: chr20-35858397-C-G.
Other names: c.1420C>G, p.Pro474Ala (NM_001135771.3); c.1516C>G, p.Pro506Ala (NM_001324299.2, NM_001324302.2, NM_001324303.2 and 1 more transcripts); c.1564C>G, p.Pro522Ala (NM_001324301.2, NM_001324305.2); c.1045C>G, p.Pro349Ala (NM_001324306.2); short protein forms P474A, P349A, P506A, P522A.
Identifiers: ClinVar variation 3435234 (VCV003435234.2).